The following is an entry in ClinVar:

ClinVar aggregate classification (germline): Uncertain significance (1 of 4 stars; one submission).

Submission:

GeneDx
Classification: Uncertain significance. Last evaluated: 2022-10-31. Review status: criteria provided, single submitter. Criteria: GeneDx Variant Classification Process June 2021. Collection method: clinical testing. Allele origin: germline. Affected: yes.
Comment: Frameshift variant predicted to result in protein truncation or nonsense mediated decay in a gene or region of a gene for which loss of function is not a well-established mechanism of disease; Identified in homozygous state in a child in the literature; however, no clinical information was provided (Kausthubham et al., 2021); This variant is associated with the following publications: (PMID: 33502066)

NM_006262.4(PRPH):c.314del (p.Asn105fs)

Genes: PRPH (peripherin; plus strand), TROAP-AS1 (TROAP and PRPH antisense RNA 1; minus strand). Cytogenetic location: 12q13.12.
Variant type: Deletion.
Coding change: c.314del on transcript NM_006262.4 (MANE Select); coding-DNA position 314, one base deleted (A; older notation c.314delA).
Protein change: p.Asn105fs; shifts the reading frame from asparagine 105.
Molecular consequence: frameshift variant. On other transcripts: non-coding transcript variant (1).
Genome position (GRCh38, 1-based): chr12:49,295,514, A deleted; the last of 2 consecutive A bases (chr12:49,295,513-49,295,514); deleting either gives the same sequence. VCF-style (leftmost placement, unchanged base first): chr12-49295512-CA-C. GRCh37 (hg19) VCF-style: chr12-49689295-CA-C.
Other names: short protein forms N105fs.
Identifiers: ClinVar variation 2500667 (VCV002500667.1), dbSNP rs780442155, ClinGen allele CA6550815.